The following is an entry in ClinVar:

NM_004333.6(BRAF):c.901C>A (p.Pro301Thr)

Gene: BRAF (B-Raf proto-oncogene, serine/threonine kinase; minus strand). Cytogenetic location: 7q34.
Variant type: single nucleotide variant.
Coding change: c.901C>A on transcript NM_004333.6 (MANE Select); coding-DNA position 901, C replaced by A.
Protein change: p.Pro301Thr; replaces proline 301 with threonine.
Molecular consequence: missense variant.
Genome position (GRCh38, 1-based): chr7:140,800,441, G>T on the plus strand (C>A on the coding strand, the complement: BRAF is on the minus strand). VCF-style: chr7-140800441-G-T. GRCh37 (hg19) VCF-style: chr7-140500241-G-T.
Other names: c.901C>A, p.Pro301Thr (NM_001354609.2, NM_001374244.1, NM_001374258.1 and 4 more transcripts); c.910C>A, p.Pro304Thr (NM_001378467.1); c.799C>A, p.Pro267Thr (NM_001378470.1); c.745C>A, p.Pro249Thr (NM_001378472.1, NM_001378473.1); c.637C>A, p.Pro213Thr (NM_001378475.1); short protein forms P213T, P249T, P267T, P301T, P304T.
Identifiers: ClinVar variation 1713305 (VCV001713305.5), dbSNP rs34776339, ClinGen allele CA369590464.
Genomic context (GRCh38, chr7:140,800,441, plus strand): 5'-GTGCGGAAGGGGATGATCCAGATGTTAGGGCAGTCTCTGCTAAGGACGCCTCTTCCTGTG[G>T]TATTGGGTGGTGTTCAAAGAACTTGGAGACAAACAGCAAACTGTGAGGCAAAACAAAACA-3'
Protein context (NP_004324.2, residues 291-311): VSKFFEHHPI[Pro301Thr]QEEASLAETA

ClinVar aggregate classification (germline): Uncertain significance (1 of 4 stars; one submission).

Conditions:
RASopathy. Also called: rasopathies; Noonan spectrum disorder. Identifiers: Orphanet 536391, MedGen C5555857, MONDO:0021060.

Submission:

Labcorp Genetics (formerly Invitae), Labcorp
Classification: Uncertain significance for RASopathy. Last evaluated: 2022-07-22. Review status: criteria provided, single submitter. Criteria: Invitae Variant Classification Sherloc (09022015). Collection method: clinical testing. Allele origin: germline.
Comment: This sequence change replaces proline, which is neutral and non-polar, with threonine, which is neutral and polar, at codon 301 of the BRAF protein (p.Pro301Thr). This variant is not present in population databases (gnomAD no frequency). This variant has not been reported in the literature in individuals affected with BRAF-related conditions. Advanced modeling of protein sequence and biophysical properties (such as structural, functional, and spatial information, amino acid conservation, physicochemical variation, residue mobility, and thermodynamic stability) performed at Invitae indicates that this missense variant is not expected to disrupt BRAF protein function. In summary, the available evidence is currently insufficient to determine the role of this variant in disease. Therefore, it has been classified as a Variant of Uncertain Significance.